The following is an entry in ClinVar:

NM_001004334.4(GPR179):c.2353C>G (p.Leu785Val)

Gene: GPR179 (G protein-coupled receptor 179; minus strand). Cytogenetic location: 17q12.
Variant type: single nucleotide variant.
Coding change: c.2353C>G on transcript NM_001004334.4 (MANE Select); coding-DNA position 2353, C replaced by G.
Protein change: p.Leu785Val; replaces leucine 785 with valine.
Molecular consequence: missense variant.
Genome position (GRCh38, 1-based): chr17:38,331,216, G>C on the plus strand (C>G on the coding strand, the complement: GPR179 is on the minus strand). VCF-style: chr17-38331216-G-C. GRCh37 (hg19) VCF-style: chr17-36487099-G-C.
Other names: short protein forms L785V.
Identifiers: ClinVar variation 1402820 (VCV001402820.8), dbSNP rs2144264135, ClinGen allele CA398883458.

ClinVar aggregate classification (germline): Uncertain significance (1 of 4 stars; one submission).

Allele frequency attached by ClinVar (database versions not stated): gnomAD 0.00001.
gnomAD v4.1: 1 of 1,599,962 alleles (0.000063%); highest among the groups gnomAD compares: East Asian, 0.0022%; no homozygotes.

Submission:

Labcorp Genetics (formerly Invitae), Labcorp
Classification: Uncertain significance. Last evaluated: 2022-08-16. Review status: criteria provided, single submitter. Criteria: Invitae Variant Classification Sherloc (09022015). Collection method: clinical testing. Allele origin: germline.
Comment: ClinVar contains an entry for this variant (Variation ID: 1402820). This variant has not been reported in the literature in individuals affected with GPR179-related conditions. This variant is not present in population databases (gnomAD no frequency). This sequence change replaces leucine, which is neutral and non-polar, with valine, which is neutral and non-polar, at codon 785 of the GPR179 protein (p.Leu785Val). Algorithms developed to predict the effect of missense changes on protein structure and function output the following: SIFT: "Tolerated"; PolyPhen-2: "Possibly Damaging"; Align-GVGD: "Class C0". The valine amino acid residue is found in multiple mammalian species, which suggests that this missense change does not adversely affect protein function. In summary, the available evidence is currently insufficient to determine the role of this variant in disease. Therefore, it has been classified as a Variant of Uncertain Significance.